The following is an entry in ClinVar:

NM_006648.4(WNK2):c.3854T>C (p.Leu1285Pro)

Gene: WNK2 (WNK lysine deficient protein kinase 2; plus strand). Cytogenetic location: 9q22.31.
Variant type: single nucleotide variant.
Coding change: c.3854T>C on transcript NM_006648.4 (MANE Select); coding-DNA position 3854, T replaced by C.
Protein change: p.Leu1285Pro; replaces leucine 1285 with proline.
Molecular consequence: missense variant.
Genome position (GRCh38, 1-based): chr9:93,267,903, T>C. VCF-style: chr9-93267903-T-C. GRCh37 (hg19) VCF-style: chr9-96030185-T-C.
Other names: c.3854T>C, p.Leu1285Pro (NM_001282394.3); short protein forms L1285P.
Identifiers: ClinVar variation 3816512 (VCV003816512.1).
Genomic context (GRCh38, chr9:93,267,903, plus strand): 5'-CAGACGCCGACCGTGGCTCCGACCCAGGGACCAGCCCGCCACACCTCAGCACCTGCGGCC[T>C]GGGCACCGGGGAGGTGAGGTTGTGAAATCCGGGGTGGGAGGTGGTGAGAGTGCAGTGGCT-3'
Protein context (NP_006639.3, residues 1275-1295): TSPPHLSTCG[Leu1285Pro]GTGEESRQSQ

ClinVar aggregate classification (germline): Uncertain significance (1 of 4 stars; one submission).

Submission:

Ambry Genetics
Classification: Uncertain significance. Last evaluated: 2024-12-16. Review status: criteria provided, single submitter. Criteria: Ambry Variant Classification Scheme 2023. Collection method: clinical testing. Allele origin: germline.
Comment: The p.L1285P variant (also known as c.3854T>C), located in coding exon 16 of the WNK2 gene, results from a T to C substitution at nucleotide position 3854. The leucine at codon 1285 is replaced by proline, an amino acid with similar properties. This amino acid position is conserved. In addition, the in silico prediction for this alteration is inconclusive. Based on the available evidence, the clinical significance of this variant remains unclear.